The following is an entry in ClinVar:

ClinVar aggregate classification (germline): Uncertain significance. Review status: criteria provided, multiple submitters, no conflicts (2 of 4 stars). 2 submissions from 2 submitters: Uncertain significance (2). Last evaluated 2025-06-03.

Conditions:
Benign neonatal seizures. Also called: Benign familial neonatal seizures; Benign familial neonatal epilepsy; Convulsions benign familial neonatal dominant form; Autosomal dominant form of benign neonatal seizures; Benign neonatal familial convulsions. Identifiers: Orphanet 1949, MedGen C0220669, MONDO:0016027.

Allele frequency attached by ClinVar (database versions not stated): gnomAD exomes 0.00001.
gnomAD v4.1: 24 of 1,614,154 alleles (0.0015%); highest among the groups gnomAD compares: Non-Finnish European, 0.002%; no homozygotes.

Submissions (2):

Women's Health and Genetics/Laboratory Corporation of America, LabCorp
Classification: Uncertain significance. Last evaluated: 2025-06-03. Review status: criteria provided, single submitter. Criteria: LabCorp Variant Classification Summary - May 2015. Collection method: clinical testing. Allele origin: germline.
Comment: Variant summary: KCNQ3 c.706C>T (p.Arg236Cys) results in a non-conservative amino acid change in the encoded protein sequence. Algorithms developed to predict the effect of missense changes on protein structure and function all suggest that this variant is likely to be disruptive. The variant allele was found at a frequency of 8e-06 in 251146 control chromosomes. The available data on variant occurrences in the general population are insufficient to allow any conclusion about variant significance. To our knowledge, no occurrence of c.706C>T in individuals affected with Benign Familial Neonatal Seizures 2 and no experimental evidence demonstrating its impact on protein function have been reported. ClinVar contains an entry for this variant (Variation ID: 1038319). Based on the evidence outlined above, the variant was classified as uncertain significance.

Labcorp Genetics (formerly Invitae), Labcorp
Classification: Uncertain significance for Benign neonatal seizures. Last evaluated: 2023-08-16. Review status: criteria provided, single submitter. Criteria: Invitae Variant Classification Sherloc (09022015). Collection method: clinical testing. Allele origin: germline.
Comment: In summary, the available evidence is currently insufficient to determine the role of this variant in disease. Therefore, it has been classified as a Variant of Uncertain Significance. Advanced modeling of protein sequence and biophysical properties (such as structural, functional, and spatial information, amino acid conservation, physicochemical variation, residue mobility, and thermodynamic stability) performed at Invitae indicates that this missense variant is expected to disrupt KCNQ3 protein function. ClinVar contains an entry for this variant (Variation ID: 1038319). This missense change has been observed in individual(s) with clinical features of autism and/or clinical features of KCNQ3-related conditions (PMID: 31785789, 31981491; Invitae). This variant is present in population databases (no rsID available, gnomAD 0.002%). This sequence change replaces arginine, which is basic and polar, with cysteine, which is neutral and slightly polar, at codon 236 of the KCNQ3 protein (p.Arg236Cys).

Literature cited by the submitters: PubMed 31785789 (cited by Labcorp Genetics (formerly Invitae), Labcorp); PubMed 31981491 (cited by Labcorp Genetics (formerly Invitae), Labcorp).

NM_004519.4(KCNQ3):c.706C>T (p.Arg236Cys)

Gene: KCNQ3 (potassium voltage-gated channel subfamily Q member 3; minus strand). Cytogenetic location: 8q24.22.
Variant type: single nucleotide variant.
Coding change: c.706C>T on transcript NM_004519.4 (MANE Select); coding-DNA position 706, C replaced by T.
Protein change: p.Arg236Cys; replaces arginine 236 with cysteine.
Molecular consequence: missense variant.
Genome position (GRCh38, 1-based): chr8:132,180,228, G>A on the plus strand (C>T on the coding strand, the complement: KCNQ3 is on the minus strand). VCF-style: chr8-132180228-G-A. GRCh37 (hg19) VCF-style: chr8-133192475-G-A.
Other names: c.346C>T, p.Arg116Cys (NM_001204824.2); short protein forms R116C, R236C.
Identifiers: ClinVar variation 1038319 (VCV001038319.9), dbSNP rs1180768843, ClinGen allele CA372290804.
Genomic context (GRCh38, chr8:132,180,228, plus strand): 5'-CACAGATGGCTGAGCCCAGAAGCTTCCAGGTGCCACCTCTCCGGTCCATCCGCAGCATGC[G>A]CAGGATCTGCAGGAAGCGCAGGCTTCGCAGGGAGGTGGCCAGAACATTGCCTTGGTTTCC-3'
Protein context (NP_004510.1, residues 226-246): LRSLRFLQIL[Arg236Cys]MLRMDRRGGT